The following is an entry in ClinVar:

ClinVar aggregate classification (germline): Conflicting classifications of pathogenicity. Review status: criteria provided, conflicting classifications (1 of 4 stars). 2 submissions from 2 submitters: Pathogenic (1); Uncertain significance (1). Last evaluated 2023-03-27.

Conditions:
Developmental and epileptic encephalopathy, 11 (DEE11). Also called: Early infantile epileptic encephalopathy 11. Identifiers: Orphanet 1934, MedGen C3150987, MONDO:0013388, OMIM 613721.
Seizures, benign familial infantile, 3 (BFIS3). Also called: CONVULSIONS, BENIGN FAMILIAL INFANTILE, 3; Familial neonatal seizures. Identifiers: Orphanet 140927, Orphanet 306, MedGen C1843140, MONDO:0011904, OMIM 607745.

Submissions (2):

Labcorp Genetics (formerly Invitae), Labcorp
Classification: Pathogenic for Seizures, benign familial infantile, 3; Developmental and epileptic encephalopathy, 11. Last evaluated: 2023-03-27. Review status: criteria provided, single submitter. Criteria: Invitae Variant Classification Sherloc (09022015). Collection method: clinical testing. Allele origin: germline.
Comment: For these reasons, this variant has been classified as Pathogenic. Advanced modeling of protein sequence and biophysical properties (such as structural, functional, and spatial information, amino acid conservation, physicochemical variation, residue mobility, and thermodynamic stability) performed at Invitae indicates that this missense variant is expected to disrupt SCN2A protein function. ClinVar contains an entry for this variant (Variation ID: 195695). This missense change has been observed in individual(s) with clinical features of SCN2A-related conditions (PMID: 29056246; Invitae). In at least one individual the variant was observed to be de novo. This variant is not present in population databases (gnomAD no frequency). This sequence change replaces cysteine, which is neutral and slightly polar, with glycine, which is neutral and non-polar, at codon 1386 of the SCN2A protein (p.Cys1386Gly).

Eurofins Ntd Llc (ga)
Classification: Uncertain significance. Last evaluated: 2017-12-20. Review status: criteria provided, single submitter. Criteria: EGL Classification Definitions 2015. Collection method: clinical testing. Allele origin: germline. Observed: 1 variant allele, 1 heterozygote.

Literature cited by the submitters: PubMed 29056246 (cited by Labcorp Genetics (formerly Invitae), Labcorp).

NM_001040142.2(SCN2A):c.4156T>G (p.Cys1386Gly)

Gene: SCN2A (sodium voltage-gated channel alpha subunit 2; plus strand). Cytogenetic location: 2q24.3.
Variant type: single nucleotide variant.
Coding change: c.4156T>G on transcript NM_001040142.2 (MANE Select); coding-DNA position 4156, T replaced by G.
Protein change: p.Cys1386Gly; replaces cysteine 1386 with glycine.
Molecular consequence: missense variant.
Genome position (GRCh38, 1-based): chr2:165,374,868, T>G. VCF-style: chr2-165374868-T-G. GRCh37 (hg19) VCF-style: chr2-166231378-T-G.
Other names: c.4156T>G, p.Cys1386Gly (NM_001040143.2, NM_001371246.1, NM_001371247.1 and 1 more transcripts); short protein forms C1386G.
Identifiers: ClinVar variation 195695 (VCV000195695.8), dbSNP rs794727364, ClinGen allele CA242227.